The following is an entry in ClinVar:

NM_004519.4(KCNQ3):c.2065G>A (p.Glu689Lys)

Gene: KCNQ3 (potassium voltage-gated channel subfamily Q member 3; minus strand). Cytogenetic location: 8q24.22.
Variant type: single nucleotide variant.
Coding change: c.2065G>A on transcript NM_004519.4 (MANE Select); coding-DNA position 2065, G replaced by A.
Protein change: p.Glu689Lys; replaces glutamic acid 689 with lysine.
Molecular consequence: missense variant.
Genome position (GRCh38, 1-based): chr8:132,129,816, C>T on the plus strand (G>A on the coding strand, the complement: KCNQ3 is on the minus strand). VCF-style: chr8-132129816-C-T. GRCh37 (hg19) VCF-style: chr8-133142063-C-T.
Other names: c.1705G>A, p.Glu569Lys (NM_001204824.2); short protein forms E569K, E689K.
Identifiers: ClinVar variation 2861064 (VCV002861064.3), dbSNP rs2536858695, ClinGen allele CA372217018.
Genomic context (GRCh38, chr8:132,129,816, plus strand): 5'-GGCTGACTTTGTCAATGGTCACCTGGTGGAAGCTGTAGGGTGGTTCCGGGGGGCCTGTCT[C>T]AGAATAGTTGCAGATGATGGTTTTCAAATCGGAATACCTGTTGTCCTCCTTCTTCTCTGC-3'
Protein context (NP_004510.1, residues 679-699): DLKTIICNYS[Glu689Lys]TGPPEPPYSF

ClinVar aggregate classification (germline): Uncertain significance (1 of 4 stars; one submission).

Conditions:
Benign neonatal seizures. Also called: Benign neonatal familial convulsions; Benign familial neonatal epilepsy; Benign familial neonatal seizures; Convulsions benign familial neonatal dominant form; Autosomal dominant form of benign neonatal seizures. Identifiers: Orphanet 1949, MedGen C0220669, MONDO:0016027.

Submission:

Labcorp Genetics (formerly Invitae), Labcorp
Classification: Uncertain significance for Benign neonatal seizures. Last evaluated: 2023-05-01. Review status: criteria provided, single submitter. Criteria: Invitae Variant Classification Sherloc (09022015). Collection method: clinical testing. Allele origin: germline.
Comment: This variant is not present in population databases (gnomAD no frequency). This sequence change replaces glutamic acid, which is acidic and polar, with lysine, which is basic and polar, at codon 689 of the KCNQ3 protein (p.Glu689Lys). This variant has not been reported in the literature in individuals affected with KCNQ3-related conditions. Advanced modeling of protein sequence and biophysical properties (such as structural, functional, and spatial information, amino acid conservation, physicochemical variation, residue mobility, and thermodynamic stability) performed at Invitae indicates that this missense variant is not expected to disrupt KCNQ3 protein function. In summary, the available evidence is currently insufficient to determine the role of this variant in disease. Therefore, it has been classified as a Variant of Uncertain Significance.